The following is an entry in ClinVar:

ClinVar aggregate classification (germline): Conflicting classifications of pathogenicity. Review status: criteria provided, conflicting classifications (1 of 4 stars). 12 submissions from 12 submitters: Uncertain significance (1); Benign (5); Likely benign (3). 3 of the submissions do not count toward it. Last evaluated 2026-02-04.

Conditions:
Retinal dystrophy. Also called: Inherited retinal dystrophy. Identifiers: Orphanet 71862, MedGen C0854723, MeSH D058499, MONDO:0019118, HP:0000556.
ABCA4-related disorder. Also called: ABCA4-related disorders; ABCA4-related condition. Identifiers: MedGen CN239167.

Allele frequency attached by ClinVar (database versions not stated): gnomAD exomes 0.03861 and 0.04109; ExAC 0.04069; ESP Exome Variant Server 0.04644; TOPMed 0.04764; gnomAD 0.04881 and 0.04939; 1000 Genomes Project 30x 0.05153; 1000 Genomes Project 0.05331.
gnomAD v4.1: 64,113 of 1,613,470 alleles (4%); highest among the groups gnomAD compares: African/African-American, 7%; 1,401 homozygotes.

Submissions (12):

Labcorp Genetics (formerly Invitae), Labcorp
Classification: Benign. Last evaluated: 2026-02-04. Review status: criteria provided, single submitter. Criteria: Invitae Variant Classification Sherloc (09022015). Collection method: clinical testing. Allele origin: germline.

Blueprint Genetics
Classification: Likely benign. Last evaluated: 2024-11-26. Review status: criteria provided, single submitter. Criteria: ACMG Guidelines, 2015. Collection method: clinical testing. Allele origin: germline.

ARUP Laboratories, Molecular Genetics and Genomics, ARUP Laboratories
Classification: Benign. Last evaluated: 2023-11-29. Review status: criteria provided, single submitter. Criteria: ARUP Molecular Germline Variant Investigation Process 2024. Collection method: clinical testing. Allele origin: germline.

Dept Of Ophthalmology, Nagoya University
Classification: Uncertain significance for Retinal dystrophy. Last evaluated: 2023-10-01. Review status: criteria provided, single submitter. Criteria: Submitter's publication. Collection method: research. Allele origin: germline. Affected: yes.

Illumina Laboratory Services, Illumina
Classification: Likely benign for ABCA4-Related Disorders. Last evaluated: 2017-04-27. Review status: criteria provided, single submitter. Criteria: ICSL Variant Classification Criteria 13 December 2019. Collection method: clinical testing. Allele origin: germline.
Comment: This variant was observed as part of a predisposition screen in an ostensibly healthy population. A literature search was performed for the gene, cDNA change, and amino acid change (where applicable). No publications were found based on this search. Allele frequency data from public databases allowed determination this variant is unlikely to cause disease. Therefore, this variant is classified as likely benign.

Eurofins Ntd Llc (ga)
Classification: Benign. Last evaluated: 2015-05-12. Review status: criteria provided, single submitter. Criteria: EGL Classification Definitions 2015. Collection method: clinical testing. Allele origin: germline. Observed: 1 variant allele, 1 heterozygote.

GeneDx
Classification: Benign. Last evaluated: 2011-07-29. Review status: criteria provided, single submitter. Criteria: GeneDx Variant Classification (06012015). Collection method: clinical testing. Allele origin: germline. Affected: yes.
Comment: This variant is considered likely benign or benign based on one or more of the following criteria: it is a conservative change, it occurs at a poorly conserved position in the protein, it is predicted to be benign by multiple in silico algorithms, and/or has population frequency not consistent with disease.

Breakthrough Genomics
Classification: Likely benign. Review status: criteria provided, single submitter. Criteria: ACMG Guidelines, 2015. Collection method: not provided. Allele origin: germline. Inheritance: Autosomal recessive inheritance. Affected: yes.

PreventionGenetics, part of Exact Sciences
Classification: Benign. Review status: criteria provided, single submitter. Criteria: ACMG Guidelines, 2015. Collection method: clinical testing. Allele origin: germline.

Diagnostic Laboratory, Department of Genetics, University Medical Center Groningen
Classification: Benign. Review status: no assertion criteria provided. Collection method: clinical testing. Allele origin: germline. Affected: yes. Study: VKGL Data-share Consensus. Not counted in ClinVar's aggregate classification.

Joint Genome Diagnostic Labs from Nijmegen and Maastricht, Radboudumc and MUMC+
Classification: Benign. Review status: no assertion criteria provided. Collection method: clinical testing. Allele origin: germline. Affected: yes. Study: VKGL Data-share Consensus. Not counted in ClinVar's aggregate classification.

Retina International
No classification provided. Review status: no classification provided. Collection method: not provided. Allele origin: unknown. Not counted in ClinVar's aggregate classification.

NM_000350.3(ABCA4):c.635G>A (p.Arg212His)

Gene: ABCA4 (ATP binding cassette subfamily A member 4; minus strand). Cytogenetic location: 1p22.1.
Variant type: single nucleotide variant.
Coding change: c.635G>A on transcript NM_000350.3 (MANE Select); coding-DNA position 635, G replaced by A.
Protein change: p.Arg212His; replaces arginine 212 with histidine.
Molecular consequence: missense variant.
Genome position (GRCh38, 1-based): chr1:94,098,927, C>T on the plus strand (G>A on the coding strand, the complement: ABCA4 is on the minus strand). VCF-style: chr1-94098927-C-T. GRCh37 (hg19) VCF-style: chr1-94564483-C-T.
Other names: p.R212H:CGC>CAC; c.635G>A, p.Arg212His (NM_001425324.1); short protein forms R212H.
Identifiers: ClinVar variation 99454 (VCV000099454.37), dbSNP rs6657239, ClinGen allele CA203214.